The following is an entry in ClinVar:

ClinVar aggregate classification (germline): Uncertain significance. Review status: criteria provided, multiple submitters, no conflicts (2 of 4 stars). 2 submissions from 2 submitters: Uncertain significance (2). Last evaluated 2026-04-26.

Conditions:
Inborn genetic diseases. Identifiers: MedGen C0950123, MeSH D030342.

Submissions (2):

Ambry Genetics
Classification: Uncertain significance for Inborn genetic diseases. Last evaluated: 2026-04-26. Review status: criteria provided, single submitter. Criteria: Ambry Variant Classification Scheme 2023. Collection method: clinical testing. Allele origin: germline.
Comment: The p.Q70E variant (also known as c.208C>G), located in coding exon 2 of the ERCC6L2 gene, results from a C to G substitution at nucleotide position 208. The glutamine at codon 70 is replaced by glutamic acid, an amino acid with highly similar properties. This amino acid position is conserved. In addition, this alteration is predicted to be tolerated by in silico analysis. Based on the available evidence, the clinical significance of this variant remains unclear.

Labcorp Genetics (formerly Invitae), Labcorp
Classification: Uncertain significance. Last evaluated: 2024-09-19. Review status: criteria provided, single submitter. Criteria: Invitae Variant Classification Sherloc (09022015). Collection method: clinical testing. Allele origin: germline.
Comment: This sequence change replaces glutamine, which is neutral and polar, with glutamic acid, which is acidic and polar, at codon 81 of the ERCC6L2 protein (p.Gln81Glu). This variant is not present in population databases (gnomAD no frequency). This variant has not been reported in the literature in individuals affected with ERCC6L2-related conditions. Experimental studies and prediction algorithms are not available or were not evaluated, and the functional significance of this variant is currently unknown. In summary, the available evidence is currently insufficient to determine the role of this variant in disease. Therefore, it has been classified as a Variant of Uncertain Significance.

NM_020207.7(ERCC6L2):c.208C>G (p.Gln70Glu)

Gene: ERCC6L2 (ERCC excision repair 6 like 2; plus strand). Cytogenetic location: 9q22.32.
Variant type: single nucleotide variant.
Coding change: c.208C>G on transcript NM_020207.7 (MANE Select); coding-DNA position 208, C replaced by G.
Protein change: p.Gln70Glu; replaces glutamine 70 with glutamic acid.
Molecular consequence: missense variant. On other transcripts: non-coding transcript variant (1).
Genome position (GRCh38, 1-based): chr9:95,881,030, C>G. VCF-style: chr9-95881030-C-G. GRCh37 (hg19) VCF-style: chr9-98643312-C-G.
Other names: c.208C>G, p.Gln70Glu (NM_001010895.4, NM_001375291.1, NM_001375292.1 and 2 more transcripts); short protein forms Q70E.
Identifiers: ClinVar variation 3720068 (VCV003720068.3).